The following is an entry in ClinVar:

ClinVar aggregate classification (germline): Uncertain significance. Review status: criteria provided, multiple submitters, no conflicts (2 of 4 stars). 3 submissions from 3 submitters: Uncertain significance (3). Last evaluated 2025-11-19.

Conditions:
LAMA2-related muscular dystrophy (LAMA2-RD). Also called: Laminin alpha 2-related dystrophy. Identifiers: MedGen C5679788, MONDO:0100228.

Allele frequency attached by ClinVar (database versions not stated): ExAC 0.00002; gnomAD exomes 0.00002 and 0.00003; TOPMed 0.00003; ESP Exome Variant Server 0.00008.
gnomAD v4.1: 39 of 1,613,910 alleles (0.0024%); highest among the groups gnomAD compares: Non-Finnish European, 0.0032%; no homozygotes.

Submissions (3):

Labcorp Genetics (formerly Invitae), Labcorp
Classification: Uncertain significance for LAMA2-related muscular dystrophy. Last evaluated: 2025-11-19. Review status: criteria provided, single submitter. Criteria: Invitae Variant Classification Sherloc (09022015). Collection method: clinical testing. Allele origin: germline.
Comment: This sequence change replaces arginine, which is basic and polar, with glutamine, which is neutral and polar, at codon 1262 of the LAMA2 protein (p.Arg1262Gln). This variant is present in population databases (rs148597169, gnomAD 0.004%). This variant has not been reported in the literature in individuals affected with LAMA2-related conditions. ClinVar contains an entry for this variant (Variation ID: 477463). Invitae Evidence Modeling of protein sequence and biophysical properties (such as structural, functional, and spatial information, amino acid conservation, physicochemical variation, residue mobility, and thermodynamic stability) indicates that this missense variant is not expected to disrupt LAMA2 protein function with a negative predictive value of 95%. In summary, the available evidence is currently insufficient to determine the role of this variant in disease. Therefore, it has been classified as a Variant of Uncertain Significance.

Mayo Clinic Laboratories, Mayo Clinic
Classification: Uncertain significance. Last evaluated: 2025-10-24. Review status: criteria provided, single submitter. Criteria: ACMG Guidelines, 2015. Collection method: clinical testing. Allele origin: germline. Observed: 1 variant allele.
Comment: BP4

Revvity Omics, Revvity
Classification: Uncertain significance. Last evaluated: 2019-08-27. Review status: criteria provided, single submitter. Criteria: ACMG Guidelines, 2015. Collection method: clinical testing. Allele origin: germline.

NM_000426.4(LAMA2):c.3785G>A (p.Arg1262Gln)

Gene: LAMA2 (laminin subunit alpha 2; plus strand). Cytogenetic location: 6q22.33.
Variant type: single nucleotide variant.
Coding change: c.3785G>A on transcript NM_000426.4 (MANE Select); coding-DNA position 3785, G replaced by A.
Protein change: p.Arg1262Gln; replaces arginine 1262 with glutamine.
Molecular consequence: missense variant.
Genome position (GRCh38, 1-based): chr6:129,315,811, G>A. VCF-style: chr6-129315811-G-A. GRCh37 (hg19) VCF-style: chr6-129636956-G-A.
Other names: p.Arg1262Gln; c.3785G>A, p.Arg1262Gln (NM_001079823.2); short protein forms R1262Q.
Identifiers: ClinVar variation 477463 (VCV000477463.10), dbSNP rs148597169, ClinGen allele CA3993361.